The following is an entry in ClinVar:

ClinVar aggregate classification (germline): Pathogenic. Review status: criteria provided, multiple submitters, no conflicts (2 of 4 stars). 2 submissions from 2 submitters: Pathogenic (2). Last evaluated 2024-08-08.

Conditions:
Familial hypokalemia-hypomagnesemia (GTLMNS). Also called: HYPOMAGNESEMIA-HYPOKALEMIA, PRIMARY RENOTUBULAR, WITH HYPOCALCIURIA; POTASSIUM AND MAGNESIUM DEPLETION; gitelman syndrome. Identifiers: Orphanet 358, MedGen C0268450, MONDO:0009904, OMIM 263800.

Submissions (2):

Natera, Inc.
Classification: Pathogenic for Gitelman syndrome. Last evaluated: 2024-08-08. Review status: criteria provided, single submitter. Criteria: Natera Variant Classification Schema (03/2026). Collection method: clinical testing. Allele origin: germline.
Comment: The c.2039delG variant in SLC12A3 is a frameshift variant predicted to shift the reading frame beginning at codon 680 and leads to a stop codon 21 codons downstream. This variant is expected to result in nonsense mediated decay, truncation, or a dysfunctional protein product. This variant is rare in the general population with a frequency below the threshold expected for the associated phenotype(s). This variant has been observed in one or more individuals affected with the associated recessive disease, as either homozygous or compound heterozygous with a second variant (PMID: 30558554, 30138938). Given the available evidence, this variant is classified as Pathogenic.

Labcorp Genetics (formerly Invitae), Labcorp
Classification: Pathogenic. Last evaluated: 2022-09-27. Review status: criteria provided, single submitter. Criteria: Invitae Variant Classification Sherloc (09022015). Collection method: clinical testing. Allele origin: germline.
Comment: For these reasons, this variant has been classified as Pathogenic. Algorithms developed to predict the effect of sequence changes on RNA splicing suggest that this variant may disrupt the consensus splice site. ClinVar contains an entry for this variant (Variation ID: 1367232). This premature translational stop signal has been observed in individual(s) with clinical features of Gitelman syndrome (PMID: 30138938, 31363482). This variant is not present in population databases (gnomAD no frequency). This sequence change creates a premature translational stop signal (p.Gly680Aspfs*21) in the SLC12A3 gene. It is expected to result in an absent or disrupted protein product. Loss-of-function variants in SLC12A3 are known to be pathogenic (PMID: 20848653, 22009145, 25841442).

Literature cited by the submitters: PubMed 30558554 (cited by Natera, Inc.); PubMed 30138938 (cited by Natera, Inc. and Labcorp Genetics (formerly Invitae), Labcorp); PubMed 31363482 (cited by Labcorp Genetics (formerly Invitae), Labcorp); PubMed 20848653 (cited by Labcorp Genetics (formerly Invitae), Labcorp); PubMed 22009145 (cited by Labcorp Genetics (formerly Invitae), Labcorp); PubMed 25841442 (cited by Labcorp Genetics (formerly Invitae), Labcorp).

NM_000339.2(SLC12A3):c.2039delG

Gene: SLC12A3 (solute carrier family 12 member 3; plus strand). Cytogenetic location: 16q13.
Variant type: Deletion.
Coding change: c.2039delG on transcript NM_000339.2; coding-DNA position 2039, one base deleted (G).
Genome position (GRCh38, 1-based): chr16:56,886,954, G deleted; the last of 3 consecutive G bases (chr16:56,886,952-56,886,954); deleting any one gives the same sequence. VCF-style (leftmost placement, unchanged base first): chr16-56886951-AG-A. GRCh37 (hg19) VCF-style: chr16-56920863-AG-A.
Identifiers: ClinVar variation 1367232 (VCV001367232.7), dbSNP rs2144729905, ClinGen allele CA2573152369.